The following continues an entry in ClinVar:

NM_001267550.2(TTN):c.49648+2del

ClinVar aggregate classification (germline): Pathogenic. Pathogenic (17).

Submissions 4 to 17 of 17:

PreventionGenetics, part of Exact Sciences
Classification: Pathogenic for TTN-related condition. Last evaluated: 2025-10-29. Review status: criteria provided, single submitter. Criteria: ACMG Guidelines, 2015. Collection method: clinical testing. Allele origin: germline.
Comment: The TTN c.49648+2delT variant is predicted to result in a deletion affecting a canonical splice site. This variant, also reported as c.44725+2delT, has been reported in individuals with dilated cardiomyopathy, an individual with early-onset atrial fibrillation, and an individual with peripartum cardiomyopathy (Herman D.S. et al 2012. Supplementary Appendix Table 4 PubMed ID: 22335739; Choi SH et al 2018. eTable 5 PubMed ID: 30535219; Akhtar MM et al 2020. Supplementary Table S2 PubMed ID: 32964742; Goli R et al 2021. Supplemental Table 2 PubMed ID: 33874732). Other truncating variants in this exon have previously been reported to be pathogenic for TTN-related disorders (Human Gene Mutation Database). This variant is reported in 0.0040% of alleles in individuals of European (Non-Finnish) descent in gnomAD and is interpreted as pathogenic in ClinVar (Variation ID: 179411). This variant is located in the A-band region of the protein in which truncating TTN variants have been found more frequently in dilated cardiomyopathy patients than in controls (Herman et al. 2012. PubMed ID: 22335739). RNAseq studies from heart tissue indicate this exon is commonly included in TTN mRNA transcripts (PSI of 96%-100%, Roberts et al. 2015. PubMed ID: 25589632). TTN loss-of-function variants occurring in constitutively expressed exons (PSI > 90%) are more likely to be disease causing for TTN cardiac-related disorders regardless of band location (Roberts et al. 2015. PubMed ID: 25589632; Schafer et al. 2017. PubMed ID: 27869827; Akhtar et al. 2020. PubMed ID: 32964742). Many cases of recessive TTN-related myopathies in which the individual is compound heterozygous for two loss-of-function variants in TTN have also been reported (Ge et al. 2019. PubMed ID: 31053406; Oates et al. 2018. PubMed ID: 29691892; Rees et al. 2021. PubMed ID: 33449170). In summary, this variant is categorized as pathogenic. Of note, this variant is considered pathogenic for increased risk of TTN-related cardiac disorders, and also for autosomal recessive TTN-related congenital titinopathies.

Victorian Clinical Genetics Services, Murdoch Childrens Research Institute
Classification: Pathogenic for Dilated cardiomyopathy 1G. Last evaluated: 2025-07-28. Review status: criteria provided, single submitter. Criteria: ACMG Guidelines, 2015. Collection method: clinical testing. Allele origin: germline. Affected: yes.
Comment: This variant is classified as Pathogenic. Evidence in support of pathogenic classification: Splice site variant proven to affect splicing of the transcript with uncertain effect on protein sequence. This variant has been shown to result in a mis-spliced product via RT-PCR on cDNA derived from an affected proband's heart tissue (PMID: 22335739); Variant is present in gnomAD <0.01 (v4: 48 heterozygote(s), 0 homozygote(s)); This variant has strong previous evidence of pathogenicity in unrelated individuals. This variant has been reported as pathogenic by many clinical laboratories in ClinVar, and reported in two families in the literature with DCM (PMID: 22335739); This variant has strong evidence for segregation with disease. This variant has been reported in two multi-generational families in the literature (PMID: 22335739). Additional information: This variant is heterozygous; This gene is associated with both recessive and dominant disease (OMIM); Alternative nucleotide change(s) at the same canonical splice site, are present in gnomAD (Highest allele count: v4: 1 heterozygote(s), 0 homozygote(s)); The closest exon is located in the annotated A-band and the exon has a PSI score of 100% (PMID: 25589632); Loss of function is a known mechanism of disease in this gene. In addition, dominant negative is also a suggested mechanism (PMID: 25589632); The condition associated with this gene has incomplete penetrance. Variants in this gene that result in a premature termination codon (PTC) are known to have reduced penetrance in DCM (PMID: 25589632); Inheritance information for this variant is not currently available in this individual.

Variantyx, Inc.
Classification: Pathogenic for Dilated cardiomyopathy 1G. Last evaluated: 2025-03-06. Review status: criteria provided, single submitter. Criteria: Variantyx Assertion Criteria 2022. Collection method: clinical testing. Allele origin: germline. Inheritance: Autosomal dominant inheritance. Affected: yes.
Comment: This is a canonical splicing variant in the TTN gene (OMIM: 188840). Pathogenic variants in this gene have been associated with autosomal dominant dilated cardiomyopathy 1G. This splicing variant is expected to result in loss of function, which is a known disease mechanism for TTN in this disorder (PMID: 22335739) (PVS1). This variant has been reported in at least 5 unrelated affected individuals (PMID: 22335739, 32964742, 33874732) (PS4_Moderate), and it has been observed to segregate with disease in at least 7 individuals from 3 families (PMID: 22335739, 32964742, 33874732). This variant has a 0.0034% maximum allele frequency in non-founder control populations (PM2). Based on the current evidence, this variant is classified as pathogenic for autosomal dominant dilated cardiomyopathy 1G.

Revvity Omics, Revvity
Classification: Pathogenic. Last evaluated: 2024-12-06. Review status: criteria provided, single submitter. Criteria: ACMG Guidelines, 2015. Collection method: clinical testing. Allele origin: germline.

Blueprint Genetics
Classification: Pathogenic for TTN-related disorders. Last evaluated: 2024-09-06. Review status: criteria provided, single submitter. Criteria: ACMG Guidelines, 2015. Collection method: clinical testing. Allele origin: germline. Affected: yes. Observed: 5 variant alleles.

Laboratory for Molecular Medicine, Mass General Brigham Personalized Medicine
Classification: Pathogenic for Primary dilated cardiomyopathy. Last evaluated: 2024-01-13. Review status: criteria provided, single submitter. Criteria: ACMG Guidelines, 2015. Collection method: clinical testing. Allele origin: germline. Inheritance: Autosomal dominant inheritance.
Comment: The c.49648+2delT (also referred to as c.41944+2delT) variant in TTN has been reported in at least 5 individuals with dilated cardiomyopathy (DCM), 1 individual with LVNC, and 1 individual with peripartum cardiomyopathy and segregated with disease in 7 affected relatives from 3 families, including 2 affected obligate carriers (Herman 2012 PMID: 22335739, Akhtar 2020 PMID: 32964742, Goli 2021 PMID: 33874732, LMM data). It has also been identified in 0.006% (4/67924) of non-Finnish European chromosomes by gnomAD (v3.1.2) and reported in ClinVar (Variation ID #179411). This variant occurs in the invariant region (+/- 1,2) of the splice consensus sequence and is predicted to cause altered splicing, leading to an abnormal or absent protein. In vivo functional studies also provide some evidence that the c.41944+2delT variant may impact RNA splicing (Herman 2012 PMID: 22335739). Splicing and other truncating variants in TTN are strongly associated with DCM if they impact the exons encoding for the A-band (Herman 2012 PMID: 22335739, Pugh 2014 PMID: 24503780) and/or located in an exon that is highly expressed in the heart (Roberts 2015 PMID: 25589632). This variant affects splicing of exons located in the A-band. In summary, this variant meets criteria to be classified as pathogenic for autosomal dominant DCM. ACMG/AMP Criteria applied: PP1_Strong, PVS1_Moderate, PM2_Supporting, PS3_Supporting, PS4_Moderate.

Baylor Genetics
Classification: Pathogenic for Tibial muscular dystrophy. Last evaluated: 2024-01-10. Review status: criteria provided, single submitter. Criteria: ACMG Guidelines, 2015. Collection method: clinical testing. Allele origin: unknown.

Fulgent Genetics
Classification: Pathogenic for Tibial muscular dystrophy; Myopathy, myofibrillar, 9, with early respiratory failure; Dilated cardiomyopathy 1G; Autosomal recessive limb-girdle muscular dystrophy type 2J; Early-onset myopathy with fatal cardiomyopathy; Hypertrophic cardiomyopathy 9. Last evaluated: 2024-01-03. Review status: criteria provided, single submitter. Criteria: ACMG Guidelines, 2015. Collection method: clinical testing. Allele origin: germline.

CeGaT Center for Human Genetics Tuebingen
Classification: Pathogenic. Last evaluated: 2023-05-01. Review status: criteria provided, single submitter. Criteria: CeGaT Center For Human Genetics Tuebingen Variant Classification Criteria Version 2. Collection method: clinical testing. Allele origin: germline. Affected: yes. Observed: 1 variant allele.
Comment: TTN: PVS1, PS4:Moderate, PS3:Supporting

Molecular Diagnostic Laboratory for Inherited Cardiovascular Disease, Montreal Heart Institute
Classification: Pathogenic for Cardiovascular phenotype. Last evaluated: 2022-11-17. Review status: criteria provided, single submitter. Criteria: ACMG Guidelines, 2015. Collection method: clinical testing. Allele origin: germline. Affected: yes.

GeneDx
Classification: Pathogenic. Last evaluated: 2022-05-23. Review status: criteria provided, single submitter. Criteria: GeneDx Variant Classification Process June 2021. Collection method: clinical testing. Allele origin: germline. Affected: yes.
Comment: Canonical splice site variant in a gene for which loss-of-function is a known mechanism of disease; Located in the A-band region of TTN in which the majority of loss of function variants have been associated with autosomal dominant titinopathies (Herman et al., 2012); Not observed at significant frequency in large population cohorts (gnomAD); This variant is associated with the following publications: (PMID: 30535219, 22335739, 30150400, 32964742, 33874732, 33500567)

AiLife Diagnostics
Classification: Pathogenic. Last evaluated: 2022-02-18. Review status: criteria provided, single submitter. Criteria: ACMG Guidelines, 2015. Collection method: clinical testing. Allele origin: germline. Affected: yes. Observed: 1 variant allele.

CHEO Genetics Diagnostic Laboratory, Children's Hospital of Eastern Ontario
Classification: Pathogenic for Cardiomyopathy. Last evaluated: 2021-03-04. Review status: criteria provided, single submitter. Criteria: ACMG Guidelines, 2015. Collection method: clinical testing. Allele origin: germline.

Eurofins Ntd Llc (ga)
Classification: Pathogenic. Last evaluated: 2018-07-19. Review status: criteria provided, single submitter. Criteria: EGL ClinVar v180209 classification definitions. Collection method: clinical testing. Allele origin: germline. Observed: 1 variant allele, 1 heterozygote.

Literature cited by the submitters: PubMed 22335739 (cited by 8 submitters); PubMed 25589632 (cited by 4 submitters); PubMed 27869827 (cited by Ambry Genetics); PubMed 32964742 (cited by 5 submitters); PubMed 35138330 (cited by Ambry Genetics and Women's Health and Genetics/Laboratory Corporation of America, LabCorp); PubMed 37671549 (cited by Ambry Genetics and Women's Health and Genetics/Laboratory Corporation of America, LabCorp); PubMed 38489124 (cited by Ambry Genetics and Women's Health and Genetics/Laboratory Corporation of America, LabCorp); PubMed 39844436 (cited by Ambry Genetics); PubMed 23975875 (cited by Labcorp Genetics (formerly Invitae), Labcorp); PubMed 24503780 (cited by Women's Health and Genetics/Laboratory Corporation of America, LabCorp and Laboratory for Molecular Medicine, Mass General Brigham Personalized Medicine); PubMed 29892087 (cited by Women's Health and Genetics/Laboratory Corporation of America, LabCorp); PubMed 30535219 (cited by Women's Health and Genetics/Laboratory Corporation of America, LabCorp and AiLife Diagnostics); PubMed 31691645 (cited by Women's Health and Genetics/Laboratory Corporation of America, LabCorp); PubMed 33373724 (cited by Women's Health and Genetics/Laboratory Corporation of America, LabCorp); PubMed 33500567 (cited by Women's Health and Genetics/Laboratory Corporation of America, LabCorp); PubMed 35544052 (cited by Women's Health and Genetics/Laboratory Corporation of America, LabCorp); PubMed 33874732 (cited by 4 submitters); PubMed 35177841 (cited by Women's Health and Genetics/Laboratory Corporation of America, LabCorp); PubMed 30150400 (cited by Women's Health and Genetics/Laboratory Corporation of America, LabCorp); PubMed 24980681 (cited by Women's Health and Genetics/Laboratory Corporation of America, LabCorp); PubMed 38438525 (cited by Women's Health and Genetics/Laboratory Corporation of America, LabCorp).